The following is an entry in ClinVar:

ClinVar aggregate classification (germline): Uncertain significance (1 of 4 stars; one submission).

Submission:

GeneDx
Classification: Uncertain significance. Last evaluated: 2023-06-20. Review status: criteria provided, single submitter. Criteria: GeneDx Variant Classification Process June 2021. Collection method: clinical testing. Allele origin: germline. Affected: yes.
Comment: Not observed at significant frequency in large population cohorts (gnomAD); In silico analysis supports a deleterious effect on protein structure/function; Has not been previously published as pathogenic or benign to our knowledge; This variant is associated with the following publications: (PMID: 33223528)

NM_005157.6(ABL1):c.1525_1526delinsTT (p.Glu509Leu)

Gene: ABL1 (ABL proto-oncogene 1, non-receptor tyrosine kinase; plus strand). Cytogenetic location: 9q34.12.
Variant type: Indel.
Coding change: c.1525_1526delinsTT on transcript NM_005157.6 (MANE Select); coding-DNA positions 1525 to 1526, GA replaced by TT.
Protein change: p.Glu509Leu; replaces glutamic acid 509 with leucine.
Molecular consequence: missense variant.
Genome position (GRCh38, 1-based): chr9:130,880,511-130,880,512, GA replaced by TT. VCF-style: chr9-130880511-GA-TT. GRCh37 (hg19) VCF-style: chr9-133755898-GA-TT.
Other names: c.1582_1583delinsTT, p.Glu528Leu (NM_007313.3); short protein forms E509L, E528L.
Identifiers: ClinVar variation 3360147 (VCV003360147.1).